The following is an entry in ClinVar:

ClinVar aggregate classification (germline): Pathogenic/Likely pathogenic. Review status: criteria provided, multiple submitters, no conflicts (2 of 4 stars). 4 submissions from 4 submitters: Pathogenic (2); Likely pathogenic (1). 1 of the submissions does not count toward it. Last evaluated 2026-01-22.

Conditions:
Methylmalonic aciduria due to complete methylmalonyl-CoA mutase deficiency.
Methylmalonic aciduria due to methylmalonyl-CoA mutase deficiency (MAMM). Also called: Methylmalonic aciduria, mut type. Identifiers: Orphanet 27, MedGen C1855114, MONDO:0009612, OMIM 251000.

Allele frequency attached by ClinVar (database versions not stated): gnomAD 0.00005 and 0.00006; gnomAD exomes 0.00006 and 0.00002; TOPMed 0.00004.
gnomAD v4.1: 96 of 1,613,946 alleles (0.0059%); highest among the groups gnomAD compares: Non-Finnish European, 0.0076%; no homozygotes.

Submissions (4):

Labcorp Genetics (formerly Invitae), Labcorp
Classification: Pathogenic. Last evaluated: 2026-01-22. Review status: criteria provided, single submitter. Criteria: Invitae Variant Classification Sherloc (09022015). Collection method: clinical testing. Allele origin: germline.
Comment: This sequence change replaces glycine, which is neutral and non-polar, with arginine, which is basic and polar, at codon 642 of the MUT protein (p.Gly642Arg). This variant is present in population databases (rs747897332, gnomAD 0.005%). This missense change has been observed in individual(s) with methylmalonic aciduria (PMID: 15643616, 16281286, 22614770, 24059531, 32754920). ClinVar contains an entry for this variant (Variation ID: 551102). Invitae Evidence Modeling of protein sequence and biophysical properties (such as structural, functional, and spatial information, amino acid conservation, physicochemical variation, residue mobility, and thermodynamic stability) indicates that this missense variant is expected to disrupt MUT protein function with a positive predictive value of 95%. For these reasons, this variant has been classified as Pathogenic.

Natera, Inc.
Classification: Likely pathogenic for Methylmalonic aciduria due to complete methylmalonyl-CoA mutase deficiency. Last evaluated: 2025-03-29. Review status: criteria provided, single submitter. Criteria: Natera Variant Classification Schema (03/2026). Collection method: clinical testing. Allele origin: germline.
Comment: The c.1924G>C variant in MMUT is a missense variant predicted to cause substitution of glycine to arginine at amino acid 642. This variant is rare in the general population with a frequency below the threshold expected for the associated phenotype(s). This variant has been observed in one or more individuals affected with the associated recessive disease, as either homozygous or compound heterozygous with a second variant (PMID: 35005816, 21048060, 22614770, 19375370). Functional studies show that this variant may disrupt protein function (PMID: 16281286). Computational prediction algorithms indicate this variant is likely to affect gene or protein function. Given the available evidence, this variant is classified as Likely Pathogenic.

GeneDx
Classification: Pathogenic. Last evaluated: 2021-01-07. Review status: criteria provided, single submitter. Criteria: GeneDx Variant Classification Process June 2021. Collection method: clinical testing. Allele origin: germline. Affected: yes.
Comment: Not observed at a significant frequency in large population cohorts (Lek et al., 2016); In silico analysis supports that this missense variant has a deleterious effect on protein structure/function; This variant is associated with the following publications: (PMID: 15643616, 22614770, 16281286, 24059531, 26790480)

Counsyl
Classification: Likely pathogenic for Methylmalonic aciduria due to methylmalonyl-CoA mutase deficiency. Last evaluated: 2017-03-10. Review status: no assertion criteria provided. Collection method: clinical testing. Allele origin: unknown. Not counted in ClinVar's aggregate classification.

Literature cited by the submitters: PubMed 15643616 (cited by Labcorp Genetics (formerly Invitae), Labcorp and Counsyl); PubMed 16281286 (cited by 3 submitters); PubMed 22614770 (cited by 3 submitters); PubMed 24059531 (cited by Labcorp Genetics (formerly Invitae), Labcorp); PubMed 32754920 (cited by Labcorp Genetics (formerly Invitae), Labcorp); PubMed 35005816 (cited by Natera, Inc.); PubMed 21048060 (cited by Natera, Inc.); PubMed 19375370 (cited by Natera, Inc.).

NM_000255.4(MMUT):c.1924G>C (p.Gly642Arg)

Gene: MMUT (methylmalonyl-CoA mutase; minus strand). Cytogenetic location: 6p12.3.
Variant type: single nucleotide variant.
Coding change: c.1924G>C on transcript NM_000255.4 (MANE Select); coding-DNA position 1924, G replaced by C.
Protein change: p.Gly642Arg; replaces glycine 642 with arginine.
Molecular consequence: missense variant.
Genome position (GRCh38, 1-based): chr6:49,440,238, C>G on the plus strand (G>C on the coding strand, the complement: MMUT is on the minus strand). VCF-style: chr6-49440238-C-G. GRCh37 (hg19) VCF-style: chr6-49407951-C-G.
Other names: short protein forms G642R.
Identifiers: ClinVar variation 551102 (VCV000551102.14), dbSNP rs747897332, ClinGen allele CA138795029.